The following is an entry in ClinVar:

NM_000368.5(TSC1):c.2791G>C (p.Glu931Gln)

Gene: TSC1 (TSC complex subunit 1; minus strand). Cytogenetic location: 9q34.13.
Variant type: single nucleotide variant.
Coding change: c.2791G>C on transcript NM_000368.5 (MANE Select); coding-DNA position 2791, G replaced by C.
Protein change: p.Glu931Gln; replaces glutamic acid 931 with glutamine.
Molecular consequence: missense variant.
Genome position (GRCh38, 1-based): chr9:132,897,445, C>G on the plus strand (G>C on the coding strand, the complement: TSC1 is on the minus strand). VCF-style: chr9-132897445-C-G. GRCh37 (hg19) VCF-style: chr9-135772832-C-G.
Other names: c.2788G>C, p.Glu930Gln (NM_001162426.2); c.2638G>C, p.Glu880Gln (NM_001162427.2); c.2428G>C, p.Glu810Gln (NM_001362177.2); short protein forms E810Q, E880Q, E930Q, E931Q.
Identifiers: ClinVar variation 864746 (VCV000864746.13), dbSNP rs1845137395, ClinGen allele CA375369071.

ClinVar aggregate classification (germline): Uncertain significance. Review status: criteria provided, multiple submitters, no conflicts (2 of 4 stars). 2 submissions from 2 submitters: Uncertain significance (2). Last evaluated 2025-05-31.

Conditions:
Hereditary cancer-predisposing syndrome. Also called: Tumor predisposition; Hereditary Cancer Syndrome; Neoplastic Syndromes, Hereditary; Hereditary neoplastic syndrome. Identifiers: Orphanet 140162, MedGen C0027672, MeSH D009386, MONDO:0015356.
Tuberous sclerosis 1 (TSC1). Identifiers: Orphanet 805, MedGen C1854465, MONDO:0008612, OMIM 191100.

Submissions (2):

Ambry Genetics
Classification: Uncertain significance for Hereditary cancer-predisposing syndrome. Last evaluated: 2025-05-31. Review status: criteria provided, single submitter. Criteria: Ambry Variant Classification Scheme 2023. Collection method: clinical testing. Allele origin: germline.
Comment: The p.E931Q variant (also known as c.2791G>C), located in coding exon 19 of the TSC1 gene, results from a G to C substitution at nucleotide position 2791. The glutamic acid at codon 931 is replaced by glutamine, an amino acid with highly similar properties. This amino acid position is highly conserved in available vertebrate species. In addition, the in silico prediction for this alteration is inconclusive. Since supporting evidence is limited at this time, the clinical significance of this alteration remains unclear.

Labcorp Genetics (formerly Invitae), Labcorp
Classification: Uncertain significance for Tuberous sclerosis 1. Last evaluated: 2025-05-06. Review status: criteria provided, single submitter. Criteria: Invitae Variant Classification Sherloc (09022015). Collection method: clinical testing. Allele origin: germline.
Comment: This sequence change replaces glutamic acid, which is acidic and polar, with glutamine, which is neutral and polar, at codon 931 of the TSC1 protein (p.Glu931Gln). This variant is not present in population databases (gnomAD no frequency). This variant has not been reported in the literature in individuals affected with TSC1-related conditions. ClinVar contains an entry for this variant (Variation ID: 864746). Invitae Evidence Modeling of protein sequence and biophysical properties (such as structural, functional, and spatial information, amino acid conservation, physicochemical variation, residue mobility, and thermodynamic stability) has been performed for this missense variant. However, the output from this modeling did not meet the statistical confidence thresholds required to predict the impact of this variant on TSC1 protein function. In summary, the available evidence is currently insufficient to determine the role of this variant in disease. Therefore, it has been classified as a Variant of Uncertain Significance.